The following is an entry in ClinVar:

NM_020949.3(SLC7A14):c.1969C>T (p.Arg657Trp)

Genes: SLC7A14 (solute carrier family 7 member 14; minus strand), SLC7A14-AS1 (SLC7A14 antisense RNA 1; plus strand). Cytogenetic location: 3q26.2.
Variant type: single nucleotide variant.
Coding change: c.1969C>T on transcript NM_020949.3 (MANE Select); coding-DNA position 1969, C replaced by T.
Protein change: p.Arg657Trp; replaces arginine 657 with tryptophan.
Molecular consequence: missense variant.
Genome position (GRCh38, 1-based): chr3:170,480,313, G>A on the plus strand (C>T on the coding strand, the complement: SLC7A14 is on the minus strand). VCF-style: chr3-170480313-G-A. GRCh37 (hg19) VCF-style: chr3-170198102-G-A.
Other names: short protein forms R657W.
Identifiers: ClinVar variation 2259642 (VCV002259642.5), dbSNP rs748594733, ClinGen allele CA2701539.

ClinVar aggregate classification (germline): Uncertain significance. Review status: criteria provided, multiple submitters, no conflicts (2 of 4 stars). 3 submissions from 3 submitters: Uncertain significance (3). Last evaluated 2025-03-19.

Allele frequency attached by ClinVar (database versions not stated): TOPMed 0.00001; ExAC 0.00004; gnomAD 0.00005; gnomAD exomes 0.00008.

Submissions (3):

Labcorp Genetics (formerly Invitae), Labcorp
Classification: Uncertain significance. Last evaluated: 2025-03-19. Review status: criteria provided, single submitter. Criteria: Invitae Variant Classification Sherloc (09022015). Collection method: clinical testing. Allele origin: germline.
Comment: This sequence change replaces arginine, which is basic and polar, with tryptophan, which is neutral and slightly polar, at codon 657 of the SLC7A14 protein (p.Arg657Trp). The frequency data for this variant in the population databases is considered unreliable, as metrics indicate poor data quality at this position in the gnomAD database. This variant has not been reported in the literature in individuals affected with SLC7A14-related conditions. ClinVar contains an entry for this variant (Variation ID: 2259642). An algorithm developed to predict the effect of missense changes on protein structure and function (PolyPhen-2) suggests that this variant is likely to be disruptive. In summary, the available evidence is currently insufficient to determine the role of this variant in disease. Therefore, it has been classified as a Variant of Uncertain Significance.

Blueprint Genetics
Classification: Uncertain significance. Last evaluated: 2024-04-05. Review status: criteria provided, single submitter. Criteria: ACMG Guidelines, 2015. Collection method: clinical testing. Allele origin: germline.

Ambry Genetics
Classification: Uncertain significance. Last evaluated: 2021-11-09. Review status: criteria provided, single submitter. Criteria: Ambry Variant Classification Scheme 2023. Collection method: clinical testing. Allele origin: germline.